The following is an entry in ClinVar:

ClinVar aggregate classification (germline): Uncertain significance (1 of 4 stars; one submission).

Submission:

Labcorp Genetics (formerly Invitae), Labcorp
Classification: Uncertain significance. Last evaluated: 2022-06-27. Review status: criteria provided, single submitter. Criteria: Invitae Variant Classification Sherloc (09022015). Collection method: clinical testing. Allele origin: germline.
Comment: This variant is not present in population databases (gnomAD no frequency). In summary, the available evidence is currently insufficient to determine the role of this variant in disease. Therefore, it has been classified as a Variant of Uncertain Significance. Advanced modeling of protein sequence and biophysical properties (such as structural, functional, and spatial information, amino acid conservation, physicochemical variation, residue mobility, and thermodynamic stability) performed at Invitae indicates that this missense variant is not expected to disrupt NEFH protein function. This variant has not been reported in the literature in individuals affected with NEFH-related conditions. This sequence change replaces aspartic acid, which is acidic and polar, with alanine, which is neutral and non-polar, at codon 760 of the NEFH protein (p.Asp760Ala).

NM_021076.4(NEFH):c.2279A>C (p.Asp760Ala)

Gene: NEFH (neurofilament heavy chain; plus strand). Cytogenetic location: 22q12.2.
Variant type: single nucleotide variant.
Coding change: c.2279A>C on transcript NM_021076.4 (MANE Select); coding-DNA position 2279, A replaced by C.
Protein change: p.Asp760Ala; replaces aspartic acid 760 with alanine.
Molecular consequence: missense variant.
Genome position (GRCh38, 1-based): chr22:29,489,919, A>C. VCF-style: chr22-29489919-A-C. GRCh37 (hg19) VCF-style: chr22-29885908-A-C.
Other names: short protein forms D760A.
Identifiers: ClinVar variation 1917437 (VCV001917437.5), dbSNP rs2517978716, ClinGen allele CA411136728.